The following is an entry in ClinVar:

NM_004336.5(BUB1):c.2746G>A (p.Gly916Arg)

Gene: BUB1 (BUB1 mitotic checkpoint serine/threonine kinase; minus strand). Cytogenetic location: 2q13.
Variant type: single nucleotide variant.
Coding change: c.2746G>A on transcript NM_004336.5 (MANE Select); coding-DNA position 2746, G replaced by A.
Protein change: p.Gly916Arg; replaces glycine 916 with arginine.
Molecular consequence: missense variant. On other transcripts: intron variant (1).
Genome position (GRCh38, 1-based): chr2:110,641,344, C>T on the plus strand (G>A on the coding strand, the complement: BUB1 is on the minus strand). VCF-style: chr2-110641344-C-T. GRCh37 (hg19) VCF-style: chr2-111398921-C-T.
Other names: c.2686G>A, p.Gly896Arg (NM_001278616.2); c.2626-152G>A (NM_001278617.2); short protein forms G896R, G916R.
Identifiers: ClinVar variation 2451227 (VCV002451227.2), dbSNP rs2467971049, ClinGen allele CA348089510.

ClinVar aggregate classification (germline): Uncertain significance (1 of 4 stars; one submission).

Submission:

Ambry Genetics
Classification: Uncertain significance. Last evaluated: 2022-11-19. Review status: criteria provided, single submitter. Criteria: Ambry Variant Classification Scheme 2023. Collection method: clinical testing. Allele origin: germline.
Comment: The p.G916R variant (also known as c.2746G>A), located in coding exon 22 of the BUB1 gene, results from a G to A substitution at nucleotide position 2746. The glycine at codon 916 is replaced by arginine, an amino acid with dissimilar properties. This amino acid position is conserved. In addition, the in silico prediction for this alteration is inconclusive. Since supporting evidence is limited at this time, the clinical significance of this alteration remains unclear.